The following is an entry in ClinVar:

ClinVar aggregate classification (germline): Uncertain significance (1 of 4 stars; one submission).

Submission:

ARUP Laboratories, Molecular Genetics and Genomics, ARUP Laboratories
Classification: Uncertain significance. Last evaluated: 2018-01-05. Review status: criteria provided, single submitter. Criteria: ARUP Molecular Germline Variant Investigation Process. Collection method: clinical testing. Allele origin: germline.
Comment: The MTRR c.607G>T p.Asp203Tyr variant, to our knowledge, is not reported in the medical literature, gene specific variation databases, nor has it been previously identified by our laboratory. This variant is absent from the general population databases (1000 Genomes Project, Exome Variant Server, Genome Aggregation Database), indicating it is not a common polymorphism. The aspartic acid at position 203 is weakly conserved, considering 15 species (Alamut software v.2.10.0), and computational analyses of the effects of the p.Asp203Try variant on protein structure and function vary in their conclusions (SIFT: damaging; MutationTaster: polymorphism; PolyPhen-2: possibly damaging). Based on the available information, the clinical significance of the p.Asp203Tyr cannot be predicted with certainty.

NM_002454.3(MTRR):c.607G>T (p.Asp203Tyr)

Gene: MTRR (5-methyltetrahydrofolate-homocysteine methyltransferase reductase; plus strand). Cytogenetic location: 5p15.31.
Variant type: single nucleotide variant.
Coding change: c.607G>T on transcript NM_002454.3 (MANE Select); coding-DNA position 607, G replaced by T.
Protein change: p.Asp203Tyr; replaces aspartic acid 203 with tyrosine.
Molecular consequence: missense variant. On other transcripts: non-coding transcript variant (14).
Genome position (GRCh38, 1-based): chr5:7,878,149, G>T. VCF-style: chr5-7878149-G-T. GRCh37 (hg19) VCF-style: chr5-7878262-G-T.
Other names: c.607G>T, p.Asp203Tyr (NM_001364440.2, NM_001364441.2, NM_001364442.2 and 1 more transcripts); short protein forms D203Y.
Identifiers: ClinVar variation 618732 (VCV000618732.8), dbSNP rs1561185945, ClinGen allele CA359157086.